The following is an entry in ClinVar:

ClinVar aggregate classification (germline): Uncertain significance. Review status: criteria provided, multiple submitters, no conflicts (2 of 4 stars). 2 submissions from 2 submitters: Uncertain significance (2). Last evaluated 2023-11-15.

Conditions:
Hereditary cancer-predisposing syndrome. Also called: Neoplastic Syndromes, Hereditary; Hereditary Cancer Syndrome; Tumor predisposition; Hereditary neoplastic syndrome. Identifiers: Orphanet 140162, MedGen C0027672, MeSH D009386, MONDO:0015356.
Retinoblastoma (RB1). Also called: RETINOBLASTOMA, SOMATIC. Identifiers: Orphanet 790, MedGen C0035335, MeSH D012175, MONDO:0008380, OMIM 180200, HP:0009919. Disease mechanism: loss of function. Inheritance: Both sporadic and heritable forms are tested..

Allele frequency attached by ClinVar (database versions not stated): gnomAD exomes 0.00001; TOPMed 0.00001.
gnomAD v4.1: 1 of 1,499,310 alleles (0.000067%); no homozygotes.

Submissions (2):

Ambry Genetics
Classification: Uncertain significance for Hereditary cancer-predisposing syndrome. Last evaluated: 2023-11-15. Review status: criteria provided, single submitter. Criteria: Ambry Variant Classification Scheme 2023. Collection method: clinical testing. Allele origin: germline.
Comment: The p.P24L variant (also known as c.71C>T), located in coding exon 1 of the RB1 gene, results from a C to T substitution at nucleotide position 71. The proline at codon 24 is replaced by leucine, an amino acid with similar properties. This amino acid position is well conserved in available vertebrate species. In addition, the in silico prediction for this alteration is inconclusive. Since supporting evidence is limited at this time, the clinical significance of this alteration remains unclear.

Labcorp Genetics (formerly Invitae), Labcorp
Classification: Uncertain significance for Retinoblastoma. Last evaluated: 2022-03-12. Review status: criteria provided, single submitter. Criteria: Invitae Variant Classification Sherloc (09022015). Collection method: clinical testing. Allele origin: germline.
Comment: In summary, the available evidence is currently insufficient to determine the role of this variant in disease. Therefore, it has been classified as a Variant of Uncertain Significance. Algorithms developed to predict the effect of missense changes on protein structure and function are either unavailable or do not agree on the potential impact of this missense change (SIFT: "Deleterious"; PolyPhen-2: "Not Available"; Align-GVGD: "Class C0"). ClinVar contains an entry for this variant (Variation ID: 1037634). This variant has not been reported in the literature in individuals affected with RB1-related conditions. This variant is present in population databases (no rsID available, gnomAD 0.02%). This sequence change replaces proline, which is neutral and non-polar, with leucine, which is neutral and non-polar, at codon 24 of the RB1 protein (p.Pro24Leu).

NM_000321.3(RB1):c.71C>T (p.Pro24Leu)

Gene: RB1 (RB transcriptional corepressor 1; plus strand). Cytogenetic location: 13q14.2.
Variant type: single nucleotide variant.
Coding change: c.71C>T on transcript NM_000321.3 (MANE Select); coding-DNA position 71, C replaced by T.
Protein change: p.Pro24Leu; replaces proline 24 with leucine.
Molecular consequence: missense variant.
Genome position (GRCh38, 1-based): chr13:48,303,983, C>T. VCF-style: chr13-48303983-C-T. GRCh37 (hg19) VCF-style: chr13-48878119-C-T.
Other names: c.71C>T (NM_000321.2); short protein forms P24L.
Identifiers: ClinVar variation 1037634 (VCV001037634.9), dbSNP rs1285455572, ClinGen allele CA388250268.